The following is an entry in ClinVar:

NM_003072.5(SMARCA4):c.2115C>T (p.His705=)

Gene: SMARCA4 (SWI/SNF related BAF chromatin remodeling complex subunit ATPase 4; plus strand). Cytogenetic location: 19p13.2.
Variant type: single nucleotide variant.
Coding change: c.2115C>T on transcript NM_003072.5 (MANE Select); coding-DNA position 2115, C replaced by T.
Protein change: p.His705=; no amino-acid change (histidine 705 retained).
Molecular consequence: synonymous variant. On other transcripts: non-coding transcript variant (1).
Genome position (GRCh38, 1-based): chr19:11,008,015, C>T. VCF-style: chr19-11008015-C-T. GRCh37 (hg19) VCF-style: chr19-11118691-C-T.
Other names: c.2115C>T, p.His705= (NM_001128844.3, NM_001128845.2, NM_001128846.2 and 5 more transcripts).
Identifiers: ClinVar variation 1079014 (VCV001079014.12), dbSNP rs1476458284, ClinGen allele CA505486834.
Genomic context (GRCh38, chr19:11,008,015, plus strand): 5'-GGAGAAGAAGAAGATTCCAGATCCAGACAGCGATGACGTCTCTGAGGTGGACGCGCGGCA[C>T]ATCATTGAGTAAGGGGTCCCGACACAGGTTGTTCTGTGCCAGCTTCCTGTGAGGTGGCGC-3'
Protein context (NP_003063.2, residues 695-715): SDDVSEVDAR[His705=]IIENAKQDVD

ClinVar aggregate classification (germline): Conflicting classifications of pathogenicity. Review status: criteria provided, conflicting classifications (1 of 4 stars). 2 submissions from 2 submitters: Uncertain significance (1); Likely benign (1). Last evaluated 2024-06-12.

Conditions:
Hereditary cancer-predisposing syndrome. Also called: Hereditary Cancer Syndrome; Hereditary neoplastic syndrome; Tumor predisposition; Neoplastic Syndromes, Hereditary. Identifiers: Orphanet 140162, MedGen C0027672, MeSH D009386, MONDO:0015356.
Rhabdoid tumor predisposition syndrome 2 (RTPS2). Identifiers: Orphanet 231108, Orphanet 69077, MedGen C2750074, MONDO:0013224, OMIM 613325.

Submissions (2):

Ambry Genetics
Classification: Uncertain significance for Hereditary cancer-predisposing syndrome. Last evaluated: 2024-06-12. Review status: criteria provided, single submitter. Criteria: Ambry Variant Classification Scheme 2023. Collection method: clinical testing. Allele origin: germline.
Comment: The c.2115C>T variant (also known as p.H705H), located in coding exon 13 of the SMARCA4 gene, results from a C to T substitution at nucleotide position 2115. This nucleotide substitution does not change the histidine at codon 705. This nucleotide position is not well conserved in available vertebrate species. In silico splice site analysis for this alteration is inconclusive. Based on the available evidence, the clinical significance of this variant remains unclear.

Labcorp Genetics (formerly Invitae), Labcorp
Classification: Likely benign for Rhabdoid tumor predisposition syndrome 2. Last evaluated: 2024-05-13. Review status: criteria provided, single submitter. Criteria: Invitae Variant Classification Sherloc (09022015). Collection method: clinical testing. Allele origin: germline.